The following is an entry in ClinVar:

ClinVar aggregate classification (germline): Benign/Likely benign. Review status: criteria provided, multiple submitters, no conflicts (2 of 4 stars). 10 submissions from 10 submitters: Benign (2); Likely benign (6). 2 of the submissions do not count toward it. Last evaluated 2026-09-01.

Conditions:
PKD1-related disorder. Also called: PKD1-related condition.
Autosomal dominant polycystic kidney disease. Identifiers: Orphanet 730, MedGen C0085413, MONDO:0004691.
Polycystic kidney disease, adult type (PKD1). Also called: POLYCYSTIC KIDNEY DISEASE, ADULT, TYPE I; Polycystic Kidney, Autosomal Dominant; POLYCYSTIC KIDNEY DISEASE 1 WITH OR WITHOUT POLYCYSTIC LIVER DISEASE; Polycystic Kidney Disease 1, Autosomal Dominant; Polycystic kidney disease 1; Polycystic kidney disease 1, severe. Identifiers: MedGen C3149841, MONDO:0008263, OMIM 173900.
Polycystic kidney disease. Also called: Polycystic kidney dysplasia; Kidney, Polycystic. Identifiers: MedGen C0022680, MeSH D007690, MONDO:0020642, HP:0000113.

Allele frequency attached by ClinVar (database versions not stated): ESP Exome Variant Server 0.00377; TOPMed 0.00414; 1000 Genomes Project 30x 0.00484; 1000 Genomes Project 0.00499.
gnomAD v4.1: 1,588 of 1,604,894 alleles (0.099%); highest among the groups gnomAD compares: African/African-American, 1.2%; 16 homozygotes.

Submissions (10):

CeGaT Center for Human Genetics Tuebingen
Classification: Likely benign. Last evaluated: 2026-09-01. Review status: criteria provided, single submitter. Criteria: CeGaT Center For Human Genetics Tuebingen Variant Classification Criteria Version 2. Collection method: clinical testing. Allele origin: germline. Affected: yes. Observed: 5 variant alleles.
Comment: PKD1: BP4, BS2

Women's Health and Genetics/Laboratory Corporation of America, LabCorp
Classification: Likely benign. Last evaluated: 2025-06-18. Review status: criteria provided, single submitter. Criteria: LabCorp Variant Classification Summary - May 2015. Collection method: clinical testing. Allele origin: germline.
Comment: Variant summary: PKD1 c.3101A>G (p.Asn1034Ser) results in a conservative amino acid change in the encoded protein sequence. Algorithms developed to predict the effect of missense changes on protein structure and function are either unavailable or do not agree on the potential impact of this missense change. The variant allele was found at a frequency of 0.0014 in 245566 control chromosomes, predominantly at a frequency of 0.012 within the African or African-American subpopulation in the gnomAD database, including 1 homozygote. The observed variant frequency within African or African-American control individuals in the gnomAD database exceeds the estimated maximal expected allele frequency for a pathogenic variant in PKD1 causing PKD1-Biallelic Autosomal Recessive Polycystic Kidney Disease phenotype. c.3101A>G has been observed in at least one individual in a PKD cohort (Raj_2020). This report does not provide unequivocal conclusions about association of the variant with PKD1-Biallelic Autosomal Recessive Polycystic Kidney Disease. To our knowledge, no experimental evidence demonstrating an impact on protein function has been reported. ClinVar contains an entry for this variant (Variation ID: 440122). Based on the evidence outlined above, the variant was classified as likely benign.

Blueprint Genetics
Classification: Likely benign. Last evaluated: 2024-11-26. Review status: criteria provided, single submitter. Criteria: ACMG Guidelines, 2015. Collection method: clinical testing. Allele origin: germline.

Fulgent Genetics
Classification: Likely benign for Polycystic kidney disease, adult type. Last evaluated: 2021-10-30. Review status: criteria provided, single submitter. Criteria: ACMG Guidelines, 2015. Collection method: clinical testing. Allele origin: unknown.

GeneDx
Classification: Benign. Last evaluated: 2020-10-05. Review status: criteria provided, single submitter. Criteria: GeneDx Variant Classification Process June 2021. Collection method: clinical testing. Allele origin: germline. Affected: yes.
Comment: This variant is associated with the following publications: (PMID: 32823016)

ARUP Laboratories, Molecular Genetics and Genomics, ARUP Laboratories
Classification: Benign for Polycystic kidney disease, adult type. Last evaluated: 2019-08-02. Review status: criteria provided, single submitter. Criteria: ARUP Molecular Germline Variant Investigation Process. Collection method: clinical testing. Allele origin: germline.

Molecular Genetics of Inherited Kidney Disorders Laboratory, Garvan Institute of Medical Research
Classification: Likely benign for Autosomal dominant polycystic kidney disease. Last evaluated: 2019-01-01. Review status: criteria provided, single submitter. Criteria: ACMG Guidelines, 2015. Collection method: research. Allele origin: germline. Affected: yes.

Breakthrough Genomics
Classification: Likely benign. Review status: criteria provided, single submitter. Criteria: ACMG Guidelines, 2015. Collection method: not provided. Allele origin: germline. Inheritance: Autosomal dominant inheritance. Affected: yes.

PreventionGenetics, part of Exact Sciences
Classification: Benign for PKD1-related condition. Last evaluated: 2020-12-22. Review status: no assertion criteria provided. Collection method: clinical testing. Allele origin: germline. Not counted in ClinVar's aggregate classification.
Comment: This variant is classified as benign based on ACMG/AMP sequence variant interpretation guidelines (Richards et al. 2015 PMID: 25741868, with internal and published modifications).

Department of Pathology and Laboratory Medicine, Sinai Health System
Classification: Benign for Polycystic Kidney disease. Review status: no assertion criteria provided. Collection method: clinical testing. Allele origin: unknown. Affected: yes. Study: The Canadian Open Genetics Repository (COGR). Not counted in ClinVar's aggregate classification.
Comment: The PKD1 p.Asn1034Ser variant was identified in 3 of 568 proband chromosomes (frequency: 0.005) from individuals or families with ADPKD (Garcia-Gonzalez 2007, Rossetti 2007). The variant was also identified in dbSNP (ID: rs28681051) as "With Likely benign allele", ClinVar (classified as likely benign by ARUP), LOVD 3.0, and ADPKD Mutation Database (as likely neutral). The variant was not identified in PKD1-LOVD database. The variant was identified in control databases in 466 of 272194 chromosomes (3 homozygous) at a frequency of 0.002, increasing the likelihood this could be a low frequency benign variant (Genome Aggregation Database Feb 27, 2017). The variant was observed in the following populations: African in 294 of 23870 chromosomes (1 homozygous, freq: 0.01), Other in 4 of 6414 chromosomes (freq: 0.0006), Latino in 12 of 34404 chromosomes (freq: 0.0004), European in 20 of 125738 chromosomes (freq: 0.0002), East Asian in 5 of 18824 chromosomes (freq: 0.0003), and South Asian in 131 of 30774 chromosomes (2 homozygous, freq: 0.004), but was not observed in the Ashkenazi Jewish or Finnish populations. One study identified the variant as co-occurring with a PKD1 splicing variant (c.10499+1G>A), increasing the likelihood that the p.Asn1034Ser variant does not have clinical significance (Davis-Frangakis 2014). The p.Asn1034 residue is conserved across mammals and other organisms, and four out of five computational analyses (PolyPhen-2, SIFT, AlignGVGD, BLOSUM, MutationTaster) suggest that the variant may impact the protein; however, this information is not predictive enough to assume pathogenicity. The variant occurs outside of the splicing consensus sequence and 3 of 4 in silico or computational prediction software programs (SpliceSiteFinder, MaxEntScan, NNSPLICE, GeneSplicer) predict a greater than 10% difference in splicing. However, this information is not predictive enough to assume pathogenicity. In summary, based on the above information this variant meets our laboratory criteria to be classified as benign.

Literature cited by the submitters: PubMed 32823016 (cited by Women's Health and Genetics/Laboratory Corporation of America, LabCorp).

NM_001009944.3(PKD1):c.3101A>G (p.Asn1034Ser)

Gene: PKD1 (polycystin 1, transient receptor potential channel interacting; minus strand). Cytogenetic location: 16p13.3.
Variant type: single nucleotide variant.
Coding change: c.3101A>G on transcript NM_001009944.3 (MANE Select); coding-DNA position 3101, A replaced by G.
Protein change: p.Asn1034Ser; replaces asparagine 1034 with serine.
Molecular consequence: missense variant.
Genome position (GRCh38, 1-based): chr16:2,112,848, T>C on the plus strand (A>G on the coding strand, the complement: PKD1 is on the minus strand). VCF-style: chr16-2112848-T-C. GRCh37 (hg19) VCF-style: chr16-2162849-T-C.
Other names: c.3101A>G, p.Asn1034Ser (NM_000296.4); short protein forms N1034S.
Identifiers: ClinVar variation 440122 (VCV000440122.24), dbSNP rs28681051, ClinGen allele CA7832954.